The following is an entry in ClinVar:

NM_175634.3(RUNX1T1):c.1619A>G (p.Gln540Arg)

Gene: RUNX1T1 (RUNX1 partner transcriptional co-repressor 1; minus strand). Cytogenetic location: 8q21.3.
Variant type: single nucleotide variant.
Coding change: c.1619A>G on transcript NM_175634.3 (MANE Select); coding-DNA position 1619, A replaced by G.
Protein change: p.Gln540Arg; replaces glutamine 540 with arginine.
Molecular consequence: missense variant.
Genome position (GRCh38, 1-based): chr8:91,960,438, T>C on the plus strand (A>G on the coding strand, the complement: RUNX1T1 is on the minus strand). VCF-style: chr8-91960438-T-C. GRCh37 (hg19) VCF-style: chr8-92972666-T-C.
Other names: c.1538A>G, p.Gln513Arg (NM_001198625.2, NM_001198632.2, NM_004349.4); c.1619A>G, p.Gln540Arg (NM_001198626.2, NM_001198627.2, NM_001198628.2 and 3 more transcripts); c.1559A>G, p.Gln520Arg (NM_001198633.2); c.1652A>G, p.Gln551Arg (NM_001198634.2); c.1796A>G, p.Gln599Arg (NM_001198679.3); c.1703A>G, p.Gln568Arg (NM_001395209.1); c.1508A>G, p.Gln503Arg (NM_175635.3, NM_175636.2); short protein forms Q503R, Q513R, Q520R, Q540R, Q551R, Q568R, Q599R.
Identifiers: ClinVar variation 4976491 (VCV004976491.1).

ClinVar aggregate classification (germline): Uncertain significance (1 of 4 stars; one submission).

Submission:

GeneDx
Classification: Uncertain significance. Last evaluated: 2026-02-17. Review status: criteria provided, single submitter. Criteria: GeneDx Variant Classification Process June 2021. Collection method: clinical testing. Allele origin: germline.
Comment: Not observed at significant frequency in large population cohorts (gnomAD); In silico analysis supports that this missense variant has a deleterious effect on protein structure/function; Has not been previously published as pathogenic or benign to our knowledge